The following is an entry in ClinVar:

NM_001130438.3(SPTAN1):c.6782G>A (p.Arg2261Gln)

Gene: SPTAN1 (spectrin alpha, non-erythrocytic 1; plus strand). Cytogenetic location: 9q34.11.
Variant type: single nucleotide variant.
Coding change: c.6782G>A on transcript NM_001130438.3 (MANE Select); coding-DNA position 6782, G replaced by A.
Protein change: p.Arg2261Gln; replaces arginine 2261 with glutamine.
Molecular consequence: missense variant.
Genome position (GRCh38, 1-based): chr9:128,632,146, G>A. VCF-style: chr9-128632146-G-A. GRCh37 (hg19) VCF-style: chr9-131394425-G-A.
Other names: c.6707G>A, p.Arg2236Gln (NM_001195532.2); c.6845G>A, p.Arg2282Gln (NM_001363759.2); c.6722G>A, p.Arg2241Gln (NM_001363765.2, NM_001375314.2); c.6869G>A, p.Arg2290Gln (NM_001375310.1); c.6782G>A, p.Arg2261Gln (NM_001375311.2); c.6818G>A, p.Arg2273Gln (NM_001375312.2); c.6764G>A, p.Arg2255Gln (NM_001375313.1); c.6881G>A, p.Arg2294Gln (NM_001375318.1); and 1 more; short protein forms R2241Q, R2255Q, R2261Q, R2236Q, R2256Q, R2273Q, R2290Q, R2294Q.
Identifiers: ClinVar variation 862396 (VCV000862396.12), dbSNP rs1859856842, ClinGen allele CA375097291.

ClinVar aggregate classification (germline): Uncertain significance. Review status: criteria provided, multiple submitters, no conflicts (2 of 4 stars). 3 submissions from 3 submitters: Uncertain significance (3). Last evaluated 2026-06-10.

Conditions:
Early-infantile DEE. Also called: Early infantile epileptic encephalopathy; Ohtahara syndrome; Early infantile epileptic encephalopathy with suppression bursts. Identifiers: Orphanet 1934, MedGen C0393706, MONDO:0800491.
Inborn genetic diseases. Identifiers: MedGen C0950123, MeSH D030342.

Allele frequency attached by ClinVar (database versions not stated): gnomAD exomes below 0.00001.
gnomAD v4.1: 3 of 1,613,378 alleles (0.00019%); highest among the groups gnomAD compares: Non-Finnish European, 0.00017%; no homozygotes.

Submissions (3):

Ambry Genetics
Classification: Uncertain significance for Inborn genetic diseases. Last evaluated: 2026-06-10. Review status: criteria provided, single submitter. Criteria: Ambry Variant Classification Scheme 2023. Collection method: clinical testing. Allele origin: germline.

GeneDx
Classification: Uncertain significance. Last evaluated: 2025-05-29. Review status: criteria provided, single submitter. Criteria: GeneDx Variant Classification Process June 2021. Collection method: clinical testing. Allele origin: germline. Affected: yes.
Comment: Not observed at significant frequency in large population cohorts (gnomAD); In silico analysis suggests that this missense variant does not alter protein structure/function; Has not been previously published as pathogenic or benign to our knowledge

Labcorp Genetics (formerly Invitae), Labcorp
Classification: Uncertain significance for Early-infantile DEE. Last evaluated: 2019-04-03. Review status: criteria provided, single submitter. Criteria: Invitae Variant Classification Sherloc (09022015). Collection method: clinical testing. Allele origin: germline.
Comment: This sequence change replaces arginine with glutamine at codon 2261 of the SPTAN1 protein (p.Arg2261Gln). The arginine residue is highly conserved and there is a small physicochemical difference between arginine and glutamine. This variant is not present in population databases (ExAC no frequency). This variant has not been reported in the literature in individuals with SPTAN1-related conditions. Algorithms developed to predict the effect of missense changes on protein structure and function are either unavailable or do not agree on the potential impact of this missense change (SIFT: "Deleterious"; PolyPhen-2: "Benign"; Align-GVGD: "Class C0"). In summary, the available evidence is currently insufficient to determine the role of this variant in disease. Therefore, it has been classified as a Variant of Uncertain Significance.